The following is an entry in ClinVar:

ClinVar aggregate classification (germline): Conflicting classifications of pathogenicity. Review status: criteria provided, conflicting classifications (1 of 4 stars). 4 submissions from 4 submitters: Pathogenic (1); Likely pathogenic (1); Uncertain significance (1). 1 of the submissions does not count toward it. Last evaluated 2025-12-30.

Conditions:
Intellectual developmental disorder, autosomal dominant 22. Also called: Intellectual disability, autosomal dominant 22. Identifiers: MedGen CN029689, MONDO:0012869, OMIM 612337.
ZBTB18-related disorder. Also called: ZBTB18-related condition.

Submissions (4):

Labcorp Genetics (formerly Invitae), Labcorp
Classification: Uncertain significance. Last evaluated: 2025-12-30. Review status: criteria provided, single submitter. Criteria: Invitae Variant Classification Sherloc (09022015). Collection method: clinical testing. Allele origin: germline.
Comment: This sequence change replaces arginine, which is basic and polar, with cysteine, which is neutral and slightly polar, at codon 495 of the ZBTB18 protein (p.Arg495Cys). This variant is not present in population databases (gnomAD no frequency). This missense change has been observed in individual(s) with ZBTB18-related conditions (PMID: 29573576, 33004838). ClinVar contains an entry for this variant (Variation ID: 1194984). Invitae Evidence Modeling of protein sequence and biophysical properties (such as structural, functional, and spatial information, amino acid conservation, physicochemical variation, residue mobility, and thermodynamic stability) indicates that this missense variant is expected to disrupt ZBTB18 protein function with a positive predictive value of 95%. In summary, the available evidence is currently insufficient to determine the role of this variant in disease. Therefore, it has been classified as a Variant of Uncertain Significance.

Institute of Human Genetics, University of Leipzig Medical Center
Classification: Likely pathogenic for Intellectual developmental disorder, autosomal dominant 22. Last evaluated: 2025-05-28. Review status: criteria provided, single submitter. Criteria: ACMG Guidelines, 2015. Collection method: clinical testing. Allele origin: unknown. Inheritance: Autosomal dominant inheritance. Affected: yes.
Comment: Criteria applied: PS4_MOD,PM1,PM2,PP2

GeneDx
Classification: Pathogenic. Last evaluated: 2024-06-10. Review status: criteria provided, single submitter. Criteria: GeneDx Variant Classification Process June 2021. Collection method: clinical testing. Allele origin: germline. Affected: yes.
Comment: Reported in a patient with a neurodevelopmental disorder in published literature; however, no further clinical or segregation information was provided (PMID: 33004838); Not observed at significant frequency in large population cohorts (gnomAD); In silico analysis supports that this missense variant has a deleterious effect on protein structure/function; This variant is associated with the following publications: (PMID: 33004838)

PreventionGenetics, part of Exact Sciences
Classification: Likely pathogenic for ZBTB18-related condition. Last evaluated: 2024-09-18. Review status: no assertion criteria provided. Collection method: clinical testing. Allele origin: germline. Not counted in ClinVar's aggregate classification.
Comment: The ZBTB18 c.1483C>T variant is predicted to result in the amino acid substitution p.Arg495Cys. This variant was reported in an individual with a neurodevelopmental disorder; however, pathogenicity was not established (Supplemental Dataset 5, row 529, Wang. 2020. PubMed ID: 33004838). This variant has not been reported in a large population database, indicating this variant is rare. A different amino acid substitution at this position (p.Arg495Gly) has been reported to have occurred de novo in a patient with intellectual disability (described as p.Arg486Gly, Rauch. 2012. PubMed ID: 23020937). This variant is interpreted as likely pathogenic.

Literature cited by the submitters: PubMed 29573576 (cited by Labcorp Genetics (formerly Invitae), Labcorp); PubMed 33004838 (cited by Labcorp Genetics (formerly Invitae), Labcorp).

NM_205768.3(ZBTB18):c.1483C>T (p.Arg495Cys)

Gene: ZBTB18 (zinc finger and BTB domain containing 18; plus strand). Cytogenetic location: 1q44.
Variant type: single nucleotide variant.
Coding change: c.1483C>T on transcript NM_205768.3 (MANE Select); coding-DNA position 1483, C replaced by T.
Protein change: p.Arg495Cys; replaces arginine 495 with cysteine.
Molecular consequence: missense variant.
Genome position (GRCh38, 1-based): chr1:244,055,257, C>T. VCF-style: chr1-244055257-C-T. GRCh37 (hg19) VCF-style: chr1-244218559-C-T.
Other names: c.1456C>T, p.Arg486Cys (NM_001278196.2, NM_006352.5); short protein forms R486C, R495C.
Identifiers: ClinVar variation 1194984 (VCV001194984.6), dbSNP rs2148557787, ClinGen allele CA345675239.
Genomic context (GRCh38, chr1:244,055,257, plus strand): 5'-CACGCCTGCAAGTGGTGCGAGCGCAGGTTCACGCAGTCCGGGGACCTGTACAGACACATT[C>T]GCAAGTTCCACTGTGAGTTGGTGAACTCCTTGTCGGTCAAAAGCGAAGCACTGAGCTTGC-3'
Protein context (NP_991331.1, residues 485-505): TQSGDLYRHI[Arg495Cys]KFHCELVNSL